The following is an entry in ClinVar:

ClinVar aggregate classification (germline): Conflicting classifications of pathogenicity. Review status: criteria provided, conflicting classifications (1 of 4 stars). 5 submissions from 5 submitters: Uncertain significance (1); Benign (1); Likely benign (3). Last evaluated 2026-01-31.

Conditions:
Inborn genetic diseases. Identifiers: MedGen C0950123, MeSH D030342.
Seizures, benign familial infantile, 3 (BFIS3). Also called: CONVULSIONS, BENIGN FAMILIAL INFANTILE, 3; Familial neonatal seizures. Identifiers: Orphanet 140927, Orphanet 306, MedGen C1843140, MONDO:0011904, OMIM 607745.
Developmental and epileptic encephalopathy, 11 (DEE11). Also called: Early infantile epileptic encephalopathy 11. Identifiers: Orphanet 1934, MedGen C3150987, MONDO:0013388, OMIM 613721.

Allele frequency attached by ClinVar (database versions not stated): gnomAD exomes 0.00011 and 0.00004; ExAC 0.00012; 1000 Genomes Project 30x 0.00016; 1000 Genomes Project 0.00020; ESP Exome Variant Server 0.00038; gnomAD 0.00038 and 0.00043; TOPMed 0.00054.
gnomAD v4.1: 117 of 1,603,294 alleles (0.0073%); highest among the groups gnomAD compares: African/African-American, 0.14%; no homozygotes.

Submissions (5):

Labcorp Genetics (formerly Invitae), Labcorp
Classification: Likely benign for Seizures, benign familial infantile, 3; Developmental and epileptic encephalopathy, 11. Last evaluated: 2026-01-31. Review status: criteria provided, single submitter. Criteria: Invitae Variant Classification Sherloc (09022015). Collection method: clinical testing. Allele origin: germline.

Genetic Services Laboratory, University of Chicago
Classification: Likely benign. Last evaluated: 2019-11-25. Review status: criteria provided, single submitter. Criteria: ACMG Guidelines, 2015. Collection method: clinical testing. Allele origin: germline. Affected: no.

Ambry Genetics
Classification: Likely benign for Inborn genetic diseases. Last evaluated: 2017-06-05. Review status: criteria provided, single submitter. Criteria: Ambry Variant Classification Scheme 2023. Collection method: clinical testing. Allele origin: germline.

Eurofins Ntd Llc (ga)
Classification: Uncertain significance. Last evaluated: 2015-07-08. Review status: criteria provided, single submitter. Criteria: EGL Classification Definitions 2015. Collection method: clinical testing. Allele origin: germline. Observed: 1 variant allele, 1 heterozygote.

GeneDx
Classification: Benign. Last evaluated: 2013-10-01. Review status: criteria provided, single submitter. Criteria: GeneDx Variant Classification (06012015). Collection method: clinical testing. Allele origin: germline. Affected: yes.
Comment: This variant is considered likely benign or benign based on one or more of the following criteria: it is a conservative change, it occurs at a poorly conserved position in the protein, it is predicted to be benign by multiple in silico algorithms, and/or has population frequency not consistent with disease.

NM_001040142.2(SCN2A):c.4257C>T (p.Ala1419=)

Gene: SCN2A (sodium voltage-gated channel alpha subunit 2; plus strand). Cytogenetic location: 2q24.3.
Variant type: single nucleotide variant.
Coding change: c.4257C>T on transcript NM_001040142.2 (MANE Select); coding-DNA position 4257, C replaced by T.
Protein change: p.Ala1419=; no amino-acid change (alanine 1419 retained).
Molecular consequence: synonymous variant.
Genome position (GRCh38, 1-based): chr2:165,377,599, C>T. VCF-style: chr2-165377599-C-T. GRCh37 (hg19) VCF-style: chr2-166234109-C-T.
Other names: p.A1419A:GCC>GCT; c.4257C>T, p.Ala1419= (NM_001040143.2, NM_001371246.1, NM_001371247.1 and 1 more transcripts).
Identifiers: ClinVar variation 139016 (VCV000139016.21), dbSNP rs141153302, ClinGen allele CA293254.